The following is an entry in ClinVar:

NM_000257.4(MYH7):c.2167C>G (p.Arg723Gly)

Gene: MYH7 (myosin heavy chain 7; minus strand). Cytogenetic location: 14q11.2.
Variant type: single nucleotide variant.
Coding change: c.2167C>G on transcript NM_000257.4 (MANE Select); coding-DNA position 2167, C replaced by G.
Protein change: p.Arg723Gly; replaces arginine 723 with glycine.
Molecular consequence: missense variant.
Genome position (GRCh38, 1-based): chr14:23,425,814, G>C on the plus strand (C>G on the coding strand, the complement: MYH7 is on the minus strand). VCF-style: chr14-23425814-G-C. GRCh37 (hg19) VCF-style: chr14-23895023-G-C.
Other names: p.R723G:CGC>GGC; NM_000257.3(MYH7):c.2167C>G; short protein forms R723G.
Identifiers: ClinVar variation 42885 (VCV000042885.24), dbSNP rs121913630, ClinGen allele CA011843.

ClinVar aggregate classification (germline): Pathogenic. Review status: reviewed by expert panel (3 of 4 stars). 8 submissions from 8 submitters: Pathogenic (1). 7 of the submissions do not count toward it. Last evaluated 2016-12-15.

Conditions:
MYH7-related disorder. Also called: MYH7-related disorders; MYH7-related condition; MYH7-related disease.
Hypertrophic cardiomyopathy 1 (CMH1). Also called: MYH7-Related Familial Hypertrophic Cardiomyopathy; Familial hypertrophic cardiomyopathy 1. Identifiers: MedGen C3495498, MONDO:0008647, OMIM 192600.
Primary familial hypertrophic cardiomyopathy (HCM). Identifiers: Orphanet 99739, MedGen C0949658, MeSH D024741, MONDO:0024573. Inheritance: Various modes of inheritance.
Hypertrophic cardiomyopathy. Also called: HYPERTROPHIC MYOCARDIOPATHY. Identifiers: Orphanet 217569, MedGen C0007194, MeSH D002312, MONDO:0005045, HP:0001639.

Submissions (8):

ClinGen Cardiomyopathy Variant Curation Expert Panel
Classification: Pathogenic for Hypertrophic cardiomyopathy. Last evaluated: 2016-12-15. Review status: reviewed by expert panel. Criteria: ClinGen CMP ACMG Specifications v1. Collection method: curation. Allele origin: germline. Inheritance: Autosomal dominant inheritance.
Comment: The c.2167C>G (p.Arg723Gly) variant in MYH7 has been reported in 12 individuals with hypertrophic cardiomyopathy (PS4; PMID:11113006; PMID:19150014; PMID:17097032; Partners LMM ClinVar SCV000059422.5; SHaRe consortium, PMID: 30297972). This variant segregated with disease in >20 affected individuals (PP1_Strong; PMID:11113006). This variant was absent from large population studies (PM2). This variant lies in the head region of the protein (aa 181-937) and missense variants in this region are statistically more likely to be disease-associated (PM1; PMID:27532257). Computational prediction tools and conservation analysis suggest that this variant may impact the protein (PP3). A different pathogenic missense variant has been previously identified at this codon which may indicate that this residue is critical to the function of the protein (PM5; c.2167C>T p.Arg723Cys - ClinVar Variation ID 14095). In summary, this variant meets criteria to be classified as pathogenic for hypertrophic cardiomyopathy in an autosomal dominant manner. MYH7-specific ACMG/AMP criteria applied (PMID:29300372): PS4; PP1_ Strong; PM1; PM2; PM5; PP3

Labcorp Genetics (formerly Invitae), Labcorp
Classification: Pathogenic for Hypertrophic cardiomyopathy. Last evaluated: 2025-08-18. Review status: criteria provided, single submitter. Criteria: Invitae Variant Classification Sherloc (09022015). Collection method: clinical testing. Allele origin: germline. Not counted in ClinVar's aggregate classification.
Comment: This sequence change replaces arginine, which is basic and polar, with glycine, which is neutral and non-polar, at codon 723 of the MYH7 protein (p.Arg723Gly). This variant is not present in population databases (gnomAD no frequency). This missense change has been observed in individuals with hypertrophic cardiomyopathy (PMID: 11113006, 17097032, 19150014, 20865685, 24093860). It has also been observed to segregate with disease in related individuals. ClinVar contains an entry for this variant (Variation ID: 42885). Invitae Evidence Modeling of protein sequence and biophysical properties (such as structural, functional, and spatial information, amino acid conservation, physicochemical variation, residue mobility, and thermodynamic stability) indicates that this missense variant is expected to disrupt MYH7 protein function with a positive predictive value of 95%. Experimental studies have shown that this missense change affects MYH7 function (PMID: 19651039, 23318932, 25346696). This variant disrupts the p.Arg723 amino acid residue in MYH7. Other variant(s) that disrupt this residue have been determined to be pathogenic (PMID: 1430197, 9829907, 12707239, 21835320). This suggests that this residue is clinically significant, and that variants that disrupt this residue are likely to be disease-causing. For these reasons, this variant has been classified as Pathogenic.

Mayo Clinic Laboratories, Mayo Clinic
Classification: Pathogenic. Last evaluated: 2020-08-18. Review status: criteria provided, single submitter. Criteria: ACMG Guidelines, 2015. Collection method: clinical testing. Allele origin: germline. Observed: 1 variant allele. Not counted in ClinVar's aggregate classification.
Comment: PP1_Strong, PS4, PS3, PM1, PM2, PM5, PP3

Blueprint Genetics
Classification: Pathogenic for MYH7-related disorders. Last evaluated: 2018-10-30. Review status: criteria provided, single submitter. Criteria: ACMG Guidelines, 2015. Collection method: clinical testing. Allele origin: germline. Affected: yes. Observed: 2 variant alleles. Not counted in ClinVar's aggregate classification.

Laboratory for Molecular Medicine, Mass General Brigham Personalized Medicine
Classification: Pathogenic for Hypertrophic cardiomyopathy. Last evaluated: 2017-05-11. Review status: criteria provided, single submitter. Criteria: LMM Criteria. Collection method: clinical testing. Allele origin: germline. Observed: 3 variant alleles. Not counted in ClinVar's aggregate classification.
Comment: The p.Arg723Gly variant in MYH7 has been reported in the literature in at least four families with HCM, progressive CHF, and sudden cardiac death, segregated wi th disease in >20 affected relatives, and was absent from 400 control chromosome s (Enjuto 2000, Yang 2006). This variant is also absent from large population st udies. This variant is reported in ClinVar (Variant ID 42885) and classified as pathogenic by an expert panel. This variant was predicted to be pathogenic using a computational tool clinically validated by our laboratory. This tool's pathog enic prediction is estimated to be correct 94% of the time (Jordan 2011). Of not e, this variant lies in the head region of the protein. Missense variants in thi s region have been reported and statistically indicated to be more likely to cau se disease (Walsh 2016). In summary, the p.Arg723Gly variant meets our criteria to be classified as pathogenic based upon segregation studies, absence in contro ls, and computational assessment.

GeneDx
Classification: Pathogenic. Last evaluated: 2017-02-02. Review status: criteria provided, single submitter. Criteria: GeneDx Variant Classification (06012015). Collection method: clinical testing. Allele origin: germline. Affected: yes. Not counted in ClinVar's aggregate classification.
Comment: The R723G pathogenic variant in the MYH7 gene has been reported in many individuals with HCM (Enjuto et al., 2000; Yang et al., 2006; Gacia-Castro et al., 2009; Tripathi et al., 2011; Zheng et al., 2010; Coto et al., 2012; Marsiglia et al., 2013; Gomez et al., 2014). In multiple unrelated cases, the variant segregated with disease throughout large multi-generational families (Enjuto et al., 2000; Yang et al., 2010; Zheng et al., 2010). Allelic expression studies on skeletal and myocardium tissue from one family showed a larger R237G load compared to the wild-type allele, and load seemed to be correlated with disease severity (Enjuto et al., 2000; Tripathi et al., 2011). Additionally, the R723G variant has been reported as a likely pathogenic or pathogenic variant in multiple individuals with HCM who were referred for genetic testing at GeneDx and other clinical laboratories (ClinVar SCVSCV000256127.1, SCV000284260.1, SCV000059422.4; Landrum et al., 2016). Two variants at the same residue (R723C, R723H) are also reported as likely pathogenic or pathogenic.The R723G variant is not observed in large population cohorts (Lek et al., 2016; 1000 Genomes Consortium et al., 2015; Exome Variant Server). The R723G variant is a non-conservative amino acid substitution, which is likely to impact secondary protein structure as these residues differ in polarity, charge, size and/or other properties. This substitution occurs at a position where only amino acids with similar properties to arginine are tolerated across species. In silico analysis predicts this variant is probably damaging to the protein structure/function. Furthermore, analysis of skeletal muscle and cardiomyocytes from individuals harboring the R723G variant showed myofibrillar deficiency and disarray with reduced calcium sensitivity and increased stiffness of the myosin-head, resulting in decreased force generation for cardiomyocytes, in particular (Seebohm et al., 2009; Kraft et al., 2013; Brenner et al., 2014). It is suggested that these effects activate stretch-sensitive signaling and, in turn, results in cardiac remodeling, the hallmark of HCM.

Molecular Diagnostic Laboratory for Inherited Cardiovascular Disease, Montreal Heart Institute
Classification: Pathogenic for Primary familial hypertrophic cardiomyopathy. Last evaluated: 2016-06-28. Review status: criteria provided, single submitter. Criteria: ACMG Guidelines, 2015. Collection method: clinical testing. Allele origin: germline. Affected: yes. Not counted in ClinVar's aggregate classification.

Laboratory of Genetics and Molecular Cardiology, University of São Paulo
Classification: Likely pathogenic for Hypertrophic cardiomyopathy 1. Review status: criteria provided, single submitter. Criteria: LGCM Criteria August 2015. Collection method: clinical testing. Allele origin: germline. Inheritance: Autosomal dominant inheritance. Affected: yes. Observed: 4 variant alleles. Study: Sarcomeric Human Cardiomyopathy Registry (ShaRe). Not counted in ClinVar's aggregate classification.

Literature cited by the submitters: PubMed 17097032 (cited by 5 submitters); PubMed 11113006 (cited by 5 submitters); PubMed 16630450 (cited by ClinGen Cardiomyopathy Variant Curation Expert Panel); PubMed 27532257 (cited by 3 submitters); PubMed 19150014 (cited by ClinGen Cardiomyopathy Variant Curation Expert Panel and Labcorp Genetics (formerly Invitae), Labcorp); PubMed 29300372 (cited by ClinGen Cardiomyopathy Variant Curation Expert Panel and Mayo Clinic Laboratories, Mayo Clinic); PubMed 20865685 (cited by 3 submitters); PubMed 24093860 (cited by Labcorp Genetics (formerly Invitae), Labcorp); PubMed 19651039 (cited by 3 submitters); PubMed 23318932 (cited by Labcorp Genetics (formerly Invitae), Labcorp and Mayo Clinic Laboratories, Mayo Clinic); PubMed 25346696 (cited by Labcorp Genetics (formerly Invitae), Labcorp); PubMed 1430197 (cited by Labcorp Genetics (formerly Invitae), Labcorp); PubMed 9829907 (cited by Labcorp Genetics (formerly Invitae), Labcorp); PubMed 12707239 (cited by Labcorp Genetics (formerly Invitae), Labcorp); PubMed 21835320 (cited by Labcorp Genetics (formerly Invitae), Labcorp); PubMed 21310275 (cited by Mayo Clinic Laboratories, Mayo Clinic); PubMed 27247418 (cited by Mayo Clinic Laboratories, Mayo Clinic); PubMed 31006259 (cited by Mayo Clinic Laboratories, Mayo Clinic); PubMed 31918855 (cited by Mayo Clinic Laboratories, Mayo Clinic); PubMed 21769673 (cited by Mayo Clinic Laboratories, Mayo Clinic and Laboratory for Molecular Medicine, Mass General Brigham Personalized Medicine); PubMed 31790337 (cited by Mayo Clinic Laboratories, Mayo Clinic); PubMed 18020371 (cited by Laboratory for Molecular Medicine, Mass General Brigham Personalized Medicine); PubMed 15550524 (cited by Laboratory for Molecular Medicine, Mass General Brigham Personalized Medicine and Laboratory of Genetics and Molecular Cardiology, University of São Paulo).